The following is an entry in ClinVar:

NM_173551.5(ANKS6):c.19C>T (p.Pro7Ser)

Gene: ANKS6 (ankyrin repeat and sterile alpha motif domain containing 6; minus strand). Cytogenetic location: 9q22.33.
Variant type: single nucleotide variant.
Coding change: c.19C>T on transcript NM_173551.5 (MANE Select); coding-DNA position 19, C replaced by T.
Protein change: p.Pro7Ser; replaces proline 7 with serine.
Molecular consequence: missense variant.
Genome position (GRCh38, 1-based): chr9:98,796,473, G>A on the plus strand (C>T on the coding strand, the complement: ANKS6 is on the minus strand). VCF-style: chr9-98796473-G-A. GRCh37 (hg19) VCF-style: chr9-101558755-G-A.
Other names: c.19C>T (NM_173551.3); short protein forms P7S.
Identifiers: ClinVar variation 1022850 (VCV001022850.11), dbSNP rs961602813, ClinGen allele CA196829359.

ClinVar aggregate classification (germline): Uncertain significance. Review status: criteria provided, multiple submitters, no conflicts (2 of 4 stars). 3 submissions from 3 submitters: Uncertain significance (3). Last evaluated 2025-08-15.

Conditions:
Nephronophthisis 16 (NPHP16). Identifiers: Orphanet 655, MedGen C3809320, MONDO:0014158, OMIM 615382.
Inborn genetic diseases. Identifiers: MedGen C0950123, MeSH D030342.

Allele frequency attached by ClinVar (database versions not stated): gnomAD exomes 0.00005; gnomAD 0.00006 and 0.00007; TOPMed 0.00010.

Submissions (3):

Labcorp Genetics (formerly Invitae), Labcorp
Classification: Uncertain significance for Nephronophthisis 16. Last evaluated: 2025-08-15. Review status: criteria provided, single submitter. Criteria: Invitae Variant Classification Sherloc (09022015). Collection method: clinical testing. Allele origin: germline.
Comment: This sequence change replaces proline, which is neutral and non-polar, with serine, which is neutral and polar, at codon 7 of the ANKS6 protein (p.Pro7Ser). The frequency data for this variant in the population databases is considered unreliable, as metrics indicate insufficient coverage at this position in the gnomAD database. This variant has not been reported in the literature in individuals affected with ANKS6-related conditions. ClinVar contains an entry for this variant (Variation ID: 1022850). An algorithm developed to predict the effect of missense changes on protein structure and function (PolyPhen-2) suggests that this variant is likely to be tolerated. In summary, the available evidence is currently insufficient to determine the role of this variant in disease. Therefore, it has been classified as a Variant of Uncertain Significance.

Ambry Genetics
Classification: Uncertain significance for Inborn genetic diseases. Last evaluated: 2024-08-11. Review status: criteria provided, single submitter. Criteria: Ambry Variant Classification Scheme 2023. Collection method: clinical testing. Allele origin: germline.

Fulgent Genetics
Classification: Uncertain significance for Nephronophthisis 16. Last evaluated: 2024-01-15. Review status: criteria provided, single submitter. Criteria: ACMG Guidelines, 2015. Collection method: clinical testing. Allele origin: germline.